The following is an entry in ClinVar:

ClinVar aggregate classification (germline): Uncertain significance. Review status: criteria provided, multiple submitters, no conflicts (2 of 4 stars). 3 submissions from 3 submitters: Uncertain significance (3). Last evaluated 2026-04-25.

Conditions:
WFS1-related disorder. Identifiers: MedGen CN379391, MONDO:0700293.
Inborn genetic diseases. Identifiers: MedGen C0950123, MeSH D030342.

Allele frequency attached by ClinVar (database versions not stated): TOPMed below 0.00001.
gnomAD v4.1: 4 of 1,614,026 alleles (0.00025%); highest among the groups gnomAD compares: African/African-American, 0.0027%; no homozygotes.

Submissions (3):

PreventionGenetics, part of Exact Sciences
Classification: Uncertain significance for WFS1-related condition. Last evaluated: 2026-04-25. Review status: criteria provided, single submitter. Criteria: ACMG Guidelines, 2015. Collection method: clinical testing. Allele origin: germline.
Comment: The WFS1 c.897C>G variant is predicted to result in the amino acid substitution p.Ile299Met. To our knowledge, this variant has not been reported in the literature. This variant is reported in 0.00088% of alleles in individuals of European (Non-Finnish) descent in gnomAD. At this time, the clinical significance of this variant is uncertain due to the absence of conclusive functional and genetic evidence.

Ambry Genetics
Classification: Uncertain significance for Inborn genetic diseases. Last evaluated: 2025-06-17. Review status: criteria provided, single submitter. Criteria: Ambry Variant Classification Scheme 2023. Collection method: clinical testing. Allele origin: germline.

Labcorp Genetics (formerly Invitae), Labcorp
Classification: Uncertain significance. Last evaluated: 2025-03-18. Review status: criteria provided, single submitter. Criteria: Invitae Variant Classification Sherloc (09022015). Collection method: clinical testing. Allele origin: germline.
Comment: This sequence change replaces isoleucine, which is neutral and non-polar, with methionine, which is neutral and non-polar, at codon 299 of the WFS1 protein (p.Ile299Met). This variant is present in population databases (rs763262029, gnomAD 0.0009%). This variant has not been reported in the literature in individuals affected with WFS1-related conditions. ClinVar contains an entry for this variant (Variation ID: 2316901). Invitae Evidence Modeling of protein sequence and biophysical properties (such as structural, functional, and spatial information, amino acid conservation, physicochemical variation, residue mobility, and thermodynamic stability) indicates that this missense variant is not expected to disrupt WFS1 protein function with a negative predictive value of 95%. In summary, the available evidence is currently insufficient to determine the role of this variant in disease. Therefore, it has been classified as a Variant of Uncertain Significance.

NM_006005.3(WFS1):c.897C>G (p.Ile299Met)

Gene: WFS1 (wolframin ER transmembrane glycoprotein; plus strand). Cytogenetic location: 4p16.1.
Variant type: single nucleotide variant.
Coding change: c.897C>G on transcript NM_006005.3 (MANE Select); coding-DNA position 897, C replaced by G.
Protein change: p.Ile299Met; replaces isoleucine 299 with methionine.
Molecular consequence: missense variant.
Genome position (GRCh38, 1-based): chr4:6,300,692, C>G. VCF-style: chr4-6300692-C-G. GRCh37 (hg19) VCF-style: chr4-6302419-C-G.
Other names: c.897C>G, p.Ile299Met (NM_001145853.1); short protein forms I299M.
Identifiers: ClinVar variation 2316901 (VCV002316901.5), dbSNP rs763262029, ClinGen allele CA91796208.